The following is an entry in ClinVar:

NM_001330.5(CTF1):c.328G>A (p.Glu110Lys)

Genes: CTF1 (cardiotrophin 1; plus strand), LOC130058878 (ATAC-STARR-seq lymphoblastoid silent region 7400; plus strand). Cytogenetic location: 16p11.2.
Variant type: single nucleotide variant.
Coding change: c.328G>A on transcript NM_001330.5 (MANE Select); coding-DNA position 328, G replaced by A.
Protein change: p.Glu110Lys; replaces glutamic acid 110 with lysine.
Molecular consequence: missense variant. On other transcripts: non-coding transcript variant (1).
Genome position (GRCh38, 1-based): chr16:30,902,261, G>A. VCF-style: chr16-30902261-G-A. GRCh37 (hg19) VCF-style: chr16-30913582-G-A.
Other names: c.325G>A, p.Glu109Lys (NM_001142544.3); short protein forms E109K, E110K.
Identifiers: ClinVar variation 860403 (VCV000860403.10), dbSNP rs1391759634, ClinGen allele CA395618852.

ClinVar aggregate classification (germline): Uncertain significance (1 of 4 stars; one submission).

Allele frequency attached by ClinVar (database versions not stated): TOPMed 0.00002; gnomAD 0.00001.
gnomAD v4.1: 14 of 1,082,780 alleles (0.0013%); highest among the groups gnomAD compares: Admixed American, 0.0051%; no homozygotes.

Submission:

Labcorp Genetics (formerly Invitae), Labcorp
Classification: Uncertain significance. Last evaluated: 2019-01-30. Review status: criteria provided, single submitter. Criteria: Invitae Variant Classification Sherloc (09022015). Collection method: clinical testing. Allele origin: germline.
Comment: The frequency data for this variant in the population databases is considered unreliable, as metrics indicate insufficient coverage at this position in the ExAC database. In summary, the available evidence is currently insufficient to determine the role of this variant in disease. Therefore, it has been classified as a Variant of Uncertain Significance. Algorithms developed to predict the effect of missense changes on protein structure and function are either unavailable or do not agree on the potential impact of this missense change (SIFT: "Deleterious"; PolyPhen-2: "Possibly Damaging"; Align-GVGD: "Class C15"). This variant has not been reported in the literature in individuals with CTF1-related conditions. This sequence change replaces glutamic acid with lysine at codon 110 of the CTF1 protein (p.Glu110Lys). The glutamic acid residue is highly conserved and there is a small physicochemical difference between glutamic acid and lysine.